The following is an entry in ClinVar:

ClinVar aggregate classification (germline): Likely benign (1 of 4 stars; one submission).

Allele frequency attached by ClinVar (database versions not stated): gnomAD exomes below 0.00001.
gnomAD v4.1: 2 of 1,613,734 alleles (0.00012%); highest among the groups gnomAD compares: African/African-American, 0.0013%; no homozygotes.

Submission:

Laboratory for Molecular Medicine, Mass General Brigham Personalized Medicine
Classification: Likely benign. Last evaluated: 2015-07-05. Review status: criteria provided, single submitter. Criteria: LMM Criteria. Collection method: clinical testing. Allele origin: germline. Observed: 1 variant allele.
Comment: p.Thr120Thr in exon 3 of DFNB59: This variant is not expected to have clinical s ignificance because it does not alter an amino acid residue and is not located w ithin the splice consensus sequence.

NM_001042702.5(PJVK):c.360C>A (p.Thr120=)

Gene: PJVK (pejvakin; plus strand). Cytogenetic location: 2q31.2.
Variant type: single nucleotide variant.
Coding change: c.360C>A on transcript NM_001042702.5 (MANE Select); coding-DNA position 360, C replaced by A.
Protein change: p.Thr120=; no amino-acid change (threonine 120 retained).
Molecular consequence: synonymous variant. On other transcripts: 5 prime UTR variant (2).
Genome position (GRCh38, 1-based): chr2:178,454,480, C>A. VCF-style: chr2-178454480-C-A. GRCh37 (hg19) VCF-style: chr2-179319207-C-A.
Other names: c.369C>A, p.Thr123= (NM_001353775.2); c.465C>A, p.Thr155= (NM_001353776.2); c.-118C>A (NM_001353777.1, NM_001353778.2); c.360C>A, p.Thr120= (NM_001369912.1).
Identifiers: ClinVar variation 227296 (VCV000227296.4), dbSNP rs876657450, ClinGen allele CA10576445.